The following is an entry in ClinVar:

ClinVar aggregate classification (germline): Uncertain significance (1 of 4 stars; one submission).

Conditions:
Dilated cardiomyopathy 1CC (CMD1CC). Identifiers: Orphanet 154, MedGen C2751084, MONDO:0013147, OMIM 613122.

Submission:

Helix
Classification: Uncertain significance for Dilated cardiomyopathy 1CC. Last evaluated: 2025-09-16. Review status: criteria provided, single submitter. Criteria: ACMG Guidelines, 2015. Collection method: clinical testing. Allele origin: germline. Inheritance: Autosomal dominant inheritance.
Comment: This variant (NM_144573.4:c.1405G>C p.Glu469Gln) results in the substitution of glutamic acid with glutamine at codon 469 in the NEXN protein. It is a rare variant that is absent from the large gnomAD population database (v4.1). To our knowledge, this variant has not been reported in individuals with NEXN-related conditions in the published literature. In silico prediction from REVEL (PMID: 27666373) suggests that this variant may be benign. In conclusion, since the available evidence is limited, the clinical significance of this variant is unclear at this time. Therefore, it is classified as a Variant of Uncertain Significance.

NM_144573.4(NEXN):c.1405G>C (p.Glu469Gln)

Gene: NEXN (nexilin F-actin binding protein; plus strand). Cytogenetic location: 1p31.1.
Variant type: single nucleotide variant.
Coding change: c.1405G>C on transcript NM_144573.4 (MANE Select); coding-DNA position 1405, G replaced by C.
Protein change: p.Glu469Gln; replaces glutamic acid 469 with glutamine.
Molecular consequence: missense variant.
Genome position (GRCh38, 1-based): chr1:77,935,976, G>C. VCF-style: chr1-77935976-G-C. GRCh37 (hg19) VCF-style: chr1-78401661-G-C.
Other names: c.1213G>C, p.Glu405Gln (NM_001172309.2); short protein forms E405Q, E469Q.
Identifiers: ClinVar variation 4890818 (VCV004890818.1).